The following is an entry in ClinVar:

NM_015692.5(CPAMD8):c.1637A>G (p.His546Arg)

Gene: CPAMD8 (C3 and PZP like alpha-2-macroglobulin domain containing 8; minus strand). Cytogenetic location: 19p13.11.
Variant type: single nucleotide variant.
Coding change: c.1637A>G on transcript NM_015692.5 (MANE Select); coding-DNA position 1637, A replaced by G.
Protein change: p.His546Arg; replaces histidine 546 with arginine.
Molecular consequence: missense variant.
Genome position (GRCh38, 1-based): chr19:16,977,489, T>C on the plus strand (A>G on the coding strand, the complement: CPAMD8 is on the minus strand). VCF-style: chr19-16977489-T-C. GRCh37 (hg19) VCF-style: chr19-17088299-T-C.
Other names: short protein forms H546R.
Identifiers: ClinVar variation 1267983 (VCV001267983.14), dbSNP rs1824152, ClinGen allele CA9285629.

ClinVar aggregate classification (germline): Benign. Review status: criteria provided, multiple submitters, no conflicts (2 of 4 stars). 5 submissions from 5 submitters: Benign (4). 1 of the submissions does not count toward it. Last evaluated 2026-02-02.

Conditions:
CPAMD8-related disorder. Also called: CPAMD8-related condition.

Allele frequency attached by ClinVar (database versions not stated): gnomAD exomes 0.35749; ESP Exome Variant Server 0.48665; gnomAD 0.50188; TOPMed 0.51605; 1000 Genomes Project 0.56689; 1000 Genomes Project 30x 0.57167.
gnomAD v4.1: 597,319 of 1,606,164 alleles (37%); highest among the groups gnomAD compares: African/African-American, 85%; 123,071 homozygotes.

Submissions (5):

Labcorp Genetics (formerly Invitae), Labcorp
Classification: Benign. Last evaluated: 2026-02-02. Review status: criteria provided, single submitter. Criteria: Invitae Variant Classification Sherloc (09022015). Collection method: clinical testing. Allele origin: germline.

Blueprint Genetics
Classification: Benign. Last evaluated: 2024-11-28. Review status: criteria provided, single submitter. Criteria: ACMG Guidelines, 2015. Collection method: clinical testing. Allele origin: germline.

GeneDx
Classification: Benign. Last evaluated: 2021-05-04. Review status: criteria provided, single submitter. Criteria: GeneDx Variant Classification Process June 2021. Collection method: clinical testing. Allele origin: germline. Affected: yes.

Breakthrough Genomics
Classification: Benign. Review status: criteria provided, single submitter. Criteria: ACMG Guidelines, 2015. Collection method: not provided. Allele origin: germline. Inheritance: Autosomal recessive inheritance. Affected: yes.

PreventionGenetics, part of Exact Sciences
Classification: Benign for CPAMD8-related condition. Last evaluated: 2019-03-14. Review status: no assertion criteria provided. Collection method: clinical testing. Allele origin: germline. Not counted in ClinVar's aggregate classification.
Comment: This variant is classified as benign based on ACMG/AMP sequence variant interpretation guidelines (Richards et al. 2015 PMID: 25741868, with internal and published modifications).